The following is an entry in ClinVar:

NM_003560.4(PLA2G6):c.920G>A (p.Gly307Asp)

Gene: PLA2G6 (phospholipase A2 group VI; minus strand). Cytogenetic location: 22q13.1.
Variant type: single nucleotide variant.
Coding change: c.920G>A on transcript NM_003560.4 (MANE Select); coding-DNA position 920, G replaced by A.
Protein change: p.Gly307Asp; replaces glycine 307 with aspartic acid.
Molecular consequence: missense variant.
Genome position (GRCh38, 1-based): chr22:38,132,988, C>T on the plus strand (G>A on the coding strand, the complement: PLA2G6 is on the minus strand). VCF-style: chr22-38132988-C-T. GRCh37 (hg19) VCF-style: chr22-38528995-C-T.
Other names: c.920G>A, p.Gly307Asp (NM_001004426.3, NM_001199562.3, NM_001349864.2 and 2 more transcripts); c.386G>A, p.Gly129Asp (NM_001349867.2, NM_001349869.2); c.242G>A, p.Gly81Asp (NM_001349868.2); short protein forms G129D, G307D, G81D.
Identifiers: ClinVar variation 2581290 (VCV002581290.1), dbSNP rs1037621957, ClinGen allele CA411530928.
Genomic context (GRCh38, chr22:38,132,988, plus strand): 5'-CGCATCACCGCCACGTGCAGGGCCGTGTTCCCCGCGGAGCTGGTGCTGTTCACGTTGCAG[C>T]CCCGTTTCAGCAGCATGCGGGCCATCTGCGGGAGACGGTCAGGCTGAGTTAGCACAGGCA-3'
Protein context (NP_003551.2, residues 297-317): AEMARMLLKR[Gly307Asp]CNVNSTSSAG

ClinVar aggregate classification (germline): Uncertain significance (1 of 4 stars; one submission).

Allele frequency attached by ClinVar (database versions not stated): TOPMed below 0.00001; gnomAD exomes 0.00002.

Submission:

Women's Health and Genetics/Laboratory Corporation of America, LabCorp
Classification: Uncertain significance. Last evaluated: 2023-08-22. Review status: criteria provided, single submitter. Criteria: LabCorp Variant Classification Summary - May 2015. Collection method: clinical testing. Allele origin: germline.
Comment: Variant summary: PLA2G6 c.920G>A (p.Gly307Asp) results in a non-conservative amino acid change located in the Ankyrin repeat (IPR002110) of the encoded protein sequence. Four of five in-silico tools predict a damaging effect of the variant on protein function. The variant allele was found at a frequency of 5.6e-06 in 180042 control chromosomes (gnomAD). The available data on variant occurrences in the general population are insufficient to allow any conclusion about variant significance. c.920G>A has been reported in the literature in individuals affected with Parkinson's disease without strong evidence of causality (Liu_2021, Chen_2022). These reports do not provide unequivocal conclusions about association of the variant with Neurodegeneration With Brain Iron Accumulation. To our knowledge, no experimental evidence demonstrating an impact on protein function has been reported. The following publications have been ascertained in the context of this evaluation (PMID: 35861376, 33279242). No submitters have cited clinical-significance assessments for this variant to ClinVar after 2014. Based on the evidence outlined above, the variant was classified as uncertain significance.

Literature cited by the submitters: PubMed 33279242; PubMed 35861376.